The following is an entry in ClinVar:

NM_152564.5(VPS13B):c.7424G>A (p.Gly2475Asp)

Gene: VPS13B (vacuolar protein sorting 13 homolog B; plus strand). Cytogenetic location: 8q22.2.
Variant type: single nucleotide variant.
Coding change: c.7424G>A on transcript NM_152564.5 (MANE Select); coding-DNA position 7424, G replaced by A.
Protein change: p.Gly2475Asp; replaces glycine 2475 with aspartic acid.
Molecular consequence: missense variant.
Genome position (GRCh38, 1-based): chr8:99,776,951, G>A. VCF-style: chr8-99776951-G-A. GRCh37 (hg19) VCF-style: chr8-100789179-G-A.
Other names: c.7499G>A, p.Gly2500Asp (NM_017890.5); short protein forms G2475D, G2500D.
Identifiers: ClinVar variation 1385091 (VCV001385091.6), dbSNP rs2130668636, ClinGen allele CA371875912.

ClinVar aggregate classification (germline): Uncertain significance (1 of 4 stars; one submission).

Conditions:
Cohen syndrome (COH1). Also called: Cutis verticis gyrata, retinitis pigmentosa, and sensorineural deafness; PEPPER SYNDROME. Identifiers: Orphanet 193, MedGen C0265223, MONDO:0008999, OMIM 216550.

Submission:

Labcorp Genetics (formerly Invitae), Labcorp
Classification: Uncertain significance for Cohen syndrome. Last evaluated: 2021-10-07. Review status: criteria provided, single submitter. Criteria: Invitae Variant Classification Sherloc (09022015). Collection method: clinical testing. Allele origin: germline.
Comment: In summary, the available evidence is currently insufficient to determine the role of this variant in disease. Therefore, it has been classified as a Variant of Uncertain Significance. Algorithms developed to predict the effect of missense changes on protein structure and function are either unavailable or do not agree on the potential impact of this missense change (SIFT: "Not Available"; PolyPhen-2: "Probably Damaging"; Align-GVGD: "Not Available"). This variant has not been reported in the literature in individuals affected with VPS13B-related conditions. This variant is not present in population databases (ExAC no frequency). This sequence change replaces glycine with aspartic acid at codon 2500 of the VPS13B protein (p.Gly2500Asp). The glycine residue is highly conserved and there is a moderate physicochemical difference between glycine and aspartic acid.